The following is an entry in ClinVar:

NM_003238.6(TGFB2):c.1033T>C (p.Phe345Leu)

Gene: TGFB2 (transforming growth factor beta 2; plus strand). Cytogenetic location: 1q41.
Variant type: single nucleotide variant.
Coding change: c.1033T>C on transcript NM_003238.6 (MANE Select); coding-DNA position 1033, T replaced by C.
Protein change: p.Phe345Leu; replaces phenylalanine 345 with leucine.
Molecular consequence: missense variant. On other transcripts: non-coding transcript variant (2).
Genome position (GRCh38, 1-based): chr1:218,437,443, T>C. VCF-style: chr1-218437443-T-C. GRCh37 (hg19) VCF-style: chr1-218610785-T-C.
Other names: c.1117T>C, p.Phe373Leu (NM_001135599.4); short protein forms F345L, F373L.
Identifiers: ClinVar variation 1188413 (VCV001188413.12), dbSNP rs748732392, ClinGen allele CA1398664.
Genomic context (GRCh38, chr1:218,437,443, plus strand): 5'-GATTTCAAGAGGGATCTAGGGTGGAAATGGATACACGAACCCAAAGGGTACAATGCCAAC[T>C]TCTGTGCTGGAGCATGCCCGTATTTATGGAGTTCAGACACTCAGCACAGCAGGGTGAGTG-3'
Protein context (NP_003229.1, residues 335-355): IHEPKGYNAN[Phe345Leu]CAGACPYLWS

ClinVar aggregate classification (germline): Uncertain significance. Review status: criteria provided, multiple submitters, no conflicts (2 of 4 stars). 3 submissions from 3 submitters: Uncertain significance (3). Last evaluated 2022-05-02.

Conditions:
Loeys-Dietz syndrome 4 (LDS4). Also called: TGFB2-Related Loeys-Dietz Syndrome; ANEURYSM, AORTIC AND CEREBRAL, WITH ARTERIAL TORTUOSITY AND SKELETAL MANIFESTATIONS. Identifiers: MedGen C3553762, MONDO:0013897, OMIM 614816.
Familial thoracic aortic aneurysm and aortic dissection (TAAD). Also called: Thoracic aortic aneurysms and dissections. Identifiers: Orphanet 91387, MedGen C4707243, MONDO:0019625.

Allele frequency attached by ClinVar (database versions not stated): gnomAD exomes below 0.00001; TOPMed below 0.00001; ExAC 0.00001.
gnomAD v4.1: 1 of 1,613,702 alleles (0.000062%); highest among the groups gnomAD compares: Non-Finnish European, 0.000085%; no homozygotes.

Submissions (3):

Ambry Genetics
Classification: Uncertain significance for Familial thoracic aortic aneurysm and aortic dissection. Last evaluated: 2022-05-02. Review status: criteria provided, single submitter. Criteria: Ambry Variant Classification Scheme 2023. Collection method: clinical testing. Allele origin: germline.
Comment: The p.F345L variant (also known as c.1033T>C), located in coding exon 6 of the TGFB2 gene, results from a T to C substitution at nucleotide position 1033. The phenylalanine at codon 345 is replaced by leucine, an amino acid with highly similar properties. This amino acid position is conserved. In addition, this alteration is predicted to be deleterious by in silico analysis. Since supporting evidence is limited at this time, the clinical significance of this alteration remains unclear.

Labcorp Genetics (formerly Invitae), Labcorp
Classification: Uncertain significance for Loeys-Dietz syndrome 4. Last evaluated: 2021-04-24. Review status: criteria provided, single submitter. Criteria: Invitae Variant Classification Sherloc (09022015). Collection method: clinical testing. Allele origin: germline.
Comment: This sequence change replaces phenylalanine with leucine at codon 345 of the TGFB2 protein (p.Phe345Leu). The phenylalanine residue is highly conserved and there is a small physicochemical difference between phenylalanine and leucine. This variant is present in population databases (rs748732392, ExAC 0.002%). This variant has not been reported in the literature in individuals with TGFB2-related conditions. Advanced modeling of protein sequence and biophysical properties (such as structural, functional, and spatial information, amino acid conservation, physicochemical variation, residue mobility, and thermodynamic stability) performed at Invitae indicates that this missense variant is expected to disrupt TGFB2 protein function. In summary, the available evidence is currently insufficient to determine the role of this variant in disease. Therefore, it has been classified as a Variant of Uncertain Significance.

GeneDx
Classification: Uncertain significance. Last evaluated: 2019-12-02. Review status: criteria provided, single submitter. Criteria: GeneDx Variant Classification Process June 2021. Collection method: clinical testing. Allele origin: germline. Affected: yes.
Comment: Has not been previously published as pathogenic or benign to our knowledge; Not observed at a significant frequency in large population cohorts (Lek et al., 2016); In silico analysis, which includes protein predictors and evolutionary conservation, supports a deleterious effect